The following is an entry in ClinVar:

ClinVar aggregate classification (germline): Conflicting classifications of pathogenicity. Review status: criteria provided, conflicting classifications (1 of 4 stars). 2 submissions from 2 submitters: Uncertain significance (1); Likely benign (1). Last evaluated 2025-09-10.

Conditions:
Inborn genetic diseases. Identifiers: MedGen C0950123, MeSH D030342.
Mosaic variegated aneuploidy syndrome 1 (MVA1). Also called: Warburton-Anyane-Yeboa syndrome. Identifiers: Orphanet 1052, MedGen C1850343, MONDO:0009759, OMIM 257300.

gnomAD v4.1: 2 of 1,612,674 alleles (0.00012%); highest among the groups gnomAD compares: Non-Finnish European, 0.00017%; no homozygotes.

Submissions (2):

Labcorp Genetics (formerly Invitae), Labcorp
Classification: Uncertain significance for Mosaic variegated aneuploidy syndrome 1. Last evaluated: 2025-09-10. Review status: criteria provided, single submitter. Criteria: Invitae Variant Classification Sherloc (09022015). Collection method: clinical testing. Allele origin: germline.
Comment: This sequence change replaces leucine, which is neutral and non-polar, with proline, which is neutral and non-polar, at codon 11 of the BUB1B protein (p.Leu11Pro). This variant is present in population databases (rs747863124, gnomAD 0.0009%). This variant has not been reported in the literature in individuals affected with BUB1B-related conditions. ClinVar contains an entry for this variant (Variation ID: 3993681). An algorithm developed to predict the effect of missense changes on protein structure and function outputs the following: PolyPhen-2: "Benign". The proline amino acid residue is found in multiple mammalian species, which suggests that this missense change does not adversely affect protein function. In summary, the available evidence is currently insufficient to determine the role of this variant in disease. Therefore, it has been classified as a Variant of Uncertain Significance.

Ambry Genetics
Classification: Likely benign for Inborn genetic diseases. Last evaluated: 2025-06-06. Review status: criteria provided, single submitter. Criteria: Ambry Variant Classification Scheme 2023. Collection method: clinical testing. Allele origin: germline.

NM_001211.6(BUB1B):c.32T>C (p.Leu11Pro)

Genes: BUB1B (BUB1 mitotic checkpoint serine/threonine kinase B; plus strand), LOC130056830 (ATAC-STARR-seq lymphoblastoid active region 9236; plus strand). Cytogenetic location: 15q15.1.
Variant type: single nucleotide variant.
Coding change: c.32T>C on transcript NM_001211.6 (MANE Select); coding-DNA position 32, T replaced by C.
Protein change: p.Leu11Pro; replaces leucine 11 with proline.
Molecular consequence: missense variant.
Genome position (GRCh38, 1-based): chr15:40,161,252, T>C. VCF-style: chr15-40161252-T-C. GRCh37 (hg19) VCF-style: chr15-40453453-T-C.
Other names: short protein forms L11P.
Identifiers: ClinVar variation 3993681 (VCV003993681.2).
Genomic context (GRCh38, chr15:40,161,252, plus strand): 5'-AGGACGAGGACCTGAGCCAGGAATGCAGGATGGCGGCGGTGAAGAAGGAAGGGGGTGCTC[T>C]GAGGTAGGTACGGGAGAAAGCTGCTGGGGGCTGGGCCTGAGAGGACACGGCCTGGTAGGT-3'
Protein context (NP_001202.5, residues 1-21): MAAVKKEGGA[Leu11Pro]SEAMSLEGDE